The following is an entry in ClinVar:

NM_031220.4(PITPNM3):c.*198G>A

Genes: PITPNM3 (PITPNM family member 3; minus strand), LOC130060085 (ATAC-STARR-seq lymphoblastoid silent region 8075; plus strand). Cytogenetic location: 17p13.2.
Variant type: single nucleotide variant.
Coding change: c.*198G>A on transcript NM_031220.4 (MANE Select); 198 bases downstream of the stop codon, G replaced by A.
Molecular consequence: 3 prime UTR variant.
Genome position (GRCh38, 1-based): chr17:6,455,140, C>T on the plus strand (G>A on the coding strand, the complement: PITPNM3 is on the minus strand). VCF-style: chr17-6455140-C-T. GRCh37 (hg19) VCF-style: chr17-6358460-C-T.
Other names: c.*198G>A (NM_001165966.2).
Identifiers: ClinVar variation 324739 (VCV000324739.5), dbSNP rs542520491, ClinGen allele CA10650725.

ClinVar aggregate classification (germline): Benign (1 of 4 stars; one submission).

Conditions:
Cone-rod dystrophy 5 (CORD5). Identifiers: Orphanet 1872, MedGen C1832976, MONDO:0010969, OMIM 600977.

Allele frequency attached by ClinVar (database versions not stated): gnomAD exomes 0.00013; 1000 Genomes Project 0.00140; gnomAD 0.00163 and 0.00176; TOPMed 0.00169.
gnomAD v4.1: 319 of 660,666 alleles (0.048%); highest among the groups gnomAD compares: African/African-American, 0.55%; 1 homozygote.

Submission:

Illumina Laboratory Services, Illumina
Classification: Benign for Cone-rod dystrophy 5. Last evaluated: 2018-01-12. Review status: criteria provided, single submitter. Criteria: ICSL Variant Classification Criteria 13 December 2019. Collection method: clinical testing. Allele origin: germline.
Comment: This variant was observed in the ICSL laboratory as part of a predisposition screen in an ostensibly healthy population. It had not been previously curated by ICSL or reported in the Human Gene Mutation Database (HGMD: prior to June 1st, 2018), and was therefore a candidate for classification through an automated scoring system. Utilizing variant allele frequency, disease prevalence and penetrance estimates, and inheritance mode, an automated score was calculated to assess if this variant is too frequent to cause the disease. Based on the score and internal cut-off values, a variant classified as benign is not then subjected to further curation. The score for this variant resulted in a classification of benign for this disease.